The following is an entry in ClinVar:

ClinVar aggregate classification (germline): Benign/Likely benign. Review status: criteria provided, multiple submitters, no conflicts (2 of 4 stars). 6 submissions from 6 submitters: Benign (2); Likely benign (3). 1 of the submissions does not count toward it. Last evaluated 2026-01-25.

Conditions:
TRDN-related disorder. Also called: TRDN-related condition.
Catecholaminergic polymorphic ventricular tachycardia 1. Also called: VENTRICULAR TACHYCARDIA, STRESS-INDUCED POLYMORPHIC 1; VENTRICULAR TACHYCARDIA, CATECHOLAMINERGIC POLYMORPHIC, 1, WITH OR WITHOUT ATRIAL DYSFUNCTION AND/OR DILATED CARDIOMYOPATHY; RYR2-Related Catecholaminergic Polymorphic Ventricular Tachycardia. Identifiers: Orphanet 3286, MedGen C1631597, MONDO:0011484, OMIM 604772.

Allele frequency attached by ClinVar (database versions not stated): gnomAD 0.03141 and 0.03259; gnomAD exomes 0.05854; ExAC 0.11696.
gnomAD v4.1: 30,907 of 1,060,078 alleles (2.9%); highest among the groups gnomAD compares: South Asian, 5.5%; no homozygotes.

Submissions (6):

Labcorp Genetics (formerly Invitae), Labcorp
Classification: Benign for Catecholaminergic polymorphic ventricular tachycardia 1. Last evaluated: 2026-01-25. Review status: criteria provided, single submitter. Criteria: Invitae Variant Classification Sherloc (09022015). Collection method: clinical testing. Allele origin: germline.

Blueprint Genetics
Classification: Likely benign. Last evaluated: 2023-11-27. Review status: criteria provided, single submitter. Criteria: ACMG Guidelines, 2015. Collection method: clinical testing. Allele origin: germline.

GeneDx
Classification: Likely benign. Last evaluated: 2018-09-06. Review status: criteria provided, single submitter. Criteria: GeneDx Variant Classification Process June 2021. Collection method: clinical testing. Allele origin: germline. Affected: yes.

Mayo Clinic Laboratories, Mayo Clinic
Classification: Benign. Last evaluated: 2017-12-01. Review status: criteria provided, single submitter. Criteria: ACMG Guidelines, 2015. Collection method: clinical testing. Allele origin: germline. Observed: 141 variant alleles.

Breakthrough Genomics
Classification: Likely benign. Review status: criteria provided, single submitter. Criteria: ACMG Guidelines, 2015. Collection method: not provided. Allele origin: germline. Inheritance: Autosomal recessive inheritance. Affected: yes.

PreventionGenetics, part of Exact Sciences
Classification: Likely benign for TRDN-related condition. Last evaluated: 2019-11-27. Review status: no assertion criteria provided. Collection method: clinical testing. Allele origin: germline. Not counted in ClinVar's aggregate classification.
Comment: This variant is classified as likely benign based on ACMG/AMP sequence variant interpretation guidelines (Richards et al. 2015 PMID: 25741868, with internal and published modifications).

NM_006073.4(TRDN):c.1805-6C>T

Gene: TRDN (triadin; minus strand). Cytogenetic location: 6q22.31.
Variant type: single nucleotide variant.
Coding change: c.1805-6C>T on transcript NM_006073.4 (MANE Select); 6 bases into the intron before coding-DNA position 1805, C replaced by T.
Molecular consequence: intron variant.
Genome position (GRCh38, 1-based): chr6:123,260,644, G>A on the plus strand (C>T on the coding strand, the complement: TRDN is on the minus strand). VCF-style: chr6-123260644-G-A. GRCh37 (hg19) VCF-style: chr6-123581789-G-A.
Other names: c.1805-6C>T (NM_006073.3).
Identifiers: ClinVar variation 1164136 (VCV001164136.17), dbSNP rs201544606, ClinGen allele CA3983737.